The following is an entry in ClinVar:

ClinVar aggregate classification (germline): Conflicting classifications of pathogenicity. Review status: criteria provided, conflicting classifications (1 of 4 stars). 2 submissions from 2 submitters: Likely pathogenic (1); Uncertain significance (1). Last evaluated 2022-08-15.

Conditions:
Autosomal recessive nonsyndromic hearing loss 2. Also called: NEUROSENSORY NONSYNDROMIC RECESSIVE DEAFNESS 2; DEAFNESS, AUTOSOMAL RECESSIVE 2. Identifiers: Orphanet 90636, MedGen C1838701, MONDO:0010807, OMIM 600060.

Allele frequency attached by ClinVar (database versions not stated): TOPMed 0.00002.
gnomAD v4.1: 4 of 1,579,020 alleles (0.00025%); highest among the groups gnomAD compares: Admixed American, 0.0068%; no homozygotes.

Submissions (2):

GeneDx
Classification: Uncertain significance. Last evaluated: 2022-08-15. Review status: criteria provided, single submitter. Criteria: GeneDx Variant Classification Process June 2021. Collection method: clinical testing. Allele origin: germline. Affected: yes.
Comment: In silico analysis supports that this missense variant has a deleterious effect on protein structure/function; Has not been previously published as pathogenic or benign to our knowledge

Mendelics
Classification: Likely pathogenic for Autosomal recessive nonsyndromic hearing loss 2. Last evaluated: 2019-05-28. Review status: criteria provided, single submitter. Criteria: Mendelics Assertion Criteria 2017. Collection method: clinical testing. Allele origin: unknown.

NM_000260.4(MYO7A):c.1046C>A (p.Ser349Tyr)

Gene: MYO7A (myosin VIIA; plus strand). Cytogenetic location: 11q13.5.
Variant type: single nucleotide variant.
Coding change: c.1046C>A on transcript NM_000260.4 (MANE Select); coding-DNA position 1046, C replaced by A.
Protein change: p.Ser349Tyr; replaces serine 349 with tyrosine.
Molecular consequence: missense variant.
Genome position (GRCh38, 1-based): chr11:77,159,489, C>A. VCF-style: chr11-77159489-C-A. GRCh37 (hg19) VCF-style: chr11-76870535-C-A.
Other names: c.1046C>A, p.Ser349Tyr (NM_001127180.2); c.1013C>A, p.Ser338Tyr (NM_001369365.1); c.1046C>A (NM_000260.3); short protein forms S338Y, S349Y.
Identifiers: ClinVar variation 802703 (VCV000802703.2), dbSNP rs782432573, ClinGen allele CA6197353.